The following is an entry in ClinVar:

NM_017986.4(SLC52A1):c.914G>C (p.Cys305Ser)

Gene: SLC52A1 (solute carrier family 52 member 1; minus strand). Cytogenetic location: 17p13.2.
Variant type: single nucleotide variant.
Coding change: c.914G>C on transcript NM_017986.4 (MANE Select); coding-DNA position 914, G replaced by C.
Protein change: p.Cys305Ser; replaces cysteine 305 with serine.
Molecular consequence: missense variant.
Genome position (GRCh38, 1-based): chr17:5,033,575, C>G on the plus strand (G>C on the coding strand, the complement: SLC52A1 is on the minus strand). VCF-style: chr17-5033575-C-G. GRCh37 (hg19) VCF-style: chr17-4936870-C-G.
Other names: c.914G>C, p.Cys305Ser (NM_001104577.2); short protein forms C305S.
Identifiers: ClinVar variation 2125152 (VCV002125152.5), dbSNP rs2508256323, ClinGen allele CA397327664.

ClinVar aggregate classification (germline): Uncertain significance. Review status: criteria provided, multiple submitters, no conflicts (2 of 4 stars). 2 submissions from 2 submitters: Uncertain significance (2). Last evaluated 2023-08-30.

Conditions:
Vitamin B2 deficiency. Identifiers: MedGen C0035528.

Submissions (2):

Labcorp Genetics (formerly Invitae), Labcorp
Classification: Uncertain significance for Vitamin B2 deficiency. Last evaluated: 2023-08-30. Review status: criteria provided, single submitter. Criteria: Invitae Variant Classification Sherloc (09022015). Collection method: clinical testing. Allele origin: germline.
Comment: In summary, the available evidence is currently insufficient to determine the role of this variant in disease. Therefore, it has been classified as a Variant of Uncertain Significance. This sequence change replaces cysteine, which is neutral and slightly polar, with serine, which is neutral and polar, at codon 305 of the SLC52A1 protein (p.Cys305Ser). This variant is not present in population databases (gnomAD no frequency). This variant has not been reported in the literature in individuals affected with SLC52A1-related conditions. ClinVar contains an entry for this variant (Variation ID: 2125152). Advanced modeling of protein sequence and biophysical properties (such as structural, functional, and spatial information, amino acid conservation, physicochemical variation, residue mobility, and thermodynamic stability) performed at Invitae indicates that this missense variant is not expected to disrupt SLC52A1 protein function.

Ambry Genetics
Classification: Uncertain significance. Last evaluated: 2021-09-27. Review status: criteria provided, single submitter. Criteria: Ambry Variant Classification Scheme 2023. Collection method: clinical testing. Allele origin: germline.